The following is an entry in ClinVar:

NM_005502.4(ABCA1):c.413C>A (p.Ser138Tyr)

Gene: ABCA1 (ATP binding cassette subfamily A member 1; minus strand). Cytogenetic location: 9q31.1.
Variant type: single nucleotide variant.
Coding change: c.413C>A on transcript NM_005502.4 (MANE Select); coding-DNA position 413, C replaced by A.
Protein change: p.Ser138Tyr; replaces serine 138 with tyrosine.
Molecular consequence: missense variant.
Genome position (GRCh38, 1-based): chr9:104,883,047, G>T on the plus strand (C>A on the coding strand, the complement: ABCA1 is on the minus strand). VCF-style: chr9-104883047-G-T. GRCh37 (hg19) VCF-style: chr9-107645328-G-T.
Other names: short protein forms S138Y.
Identifiers: ClinVar variation 4236659 (VCV004236659.1).
Genomic context (GRCh38, chr9:104,883,047, plus strand): 5'-GGTGCAGGTCAATTTCCAATTATAAACGGATGCAGAGAAGGTTTTTACTTACTTGAGCTG[G>T]ATTTCTTGATCTGCTGTAATGTTCTCAGAACTTTGCGCATGTCCTTCATGCTGGTGTCTT-3'
Protein context (NP_005493.2, residues 128-148): VLRTLQQIKK[Ser138Tyr]SSNLKLQDFL

ClinVar aggregate classification (germline): Uncertain significance (1 of 4 stars; one submission).

Conditions:
Cardiovascular phenotype. Identifiers: MedGen CN230736.

Submission:

Ambry Genetics
Classification: Uncertain significance for Cardiovascular phenotype. Last evaluated: 2025-08-31. Review status: criteria provided, single submitter. Criteria: Ambry Variant Classification Scheme 2023. Collection method: clinical testing. Allele origin: germline.
Comment: The p.S138Y variant (also known as c.413C>A), located in coding exon 4 of the ABCA1 gene, results from a C to A substitution at nucleotide position 413. The serine at codon 138 is replaced by tyrosine, an amino acid with dissimilar properties. This amino acid position is conserved. In addition, this alteration is predicted to be tolerated by in silico analysis. Based on the available evidence, the clinical significance of this variant remains unclear.